The following is an entry in ClinVar:

ClinVar aggregate classification (germline): Uncertain significance (1 of 4 stars; one submission).

Conditions:
Supravalvar aortic stenosis (SVAS). Also called: Supravalvar aortic stenosis, Eisenberg type. Identifiers: Orphanet 3193, MedGen C0003499, MONDO:0008504, OMIM 185500, HP:0004381.

Submission:

Labcorp Genetics (formerly Invitae), Labcorp
Classification: Uncertain significance for Supravalvar aortic stenosis. Last evaluated: 2025-10-04. Review status: criteria provided, single submitter. Criteria: Invitae Variant Classification Sherloc (09022015). Collection method: clinical testing. Allele origin: germline.
Comment: This sequence change replaces glycine, which is neutral and non-polar, with aspartic acid, which is acidic and polar, at codon 243 of the ELN protein (p.Gly243Asp). This variant is not present in population databases (gnomAD no frequency). This variant has not been reported in the literature in individuals affected with ELN-related conditions. Invitae Evidence Modeling of protein sequence and biophysical properties (such as structural, functional, and spatial information, amino acid conservation, physicochemical variation, residue mobility, and thermodynamic stability) indicates that this missense variant is not expected to disrupt ELN protein function with a negative predictive value of 80%. In summary, the available evidence is currently insufficient to determine the role of this variant in disease. Therefore, it has been classified as a Variant of Uncertain Significance.

NM_000501.4(ELN):c.728G>A (p.Gly243Asp)

Gene: ELN (elastin; plus strand). Cytogenetic location: 7q11.23.
Variant type: single nucleotide variant.
Coding change: c.728G>A on transcript NM_000501.4 (MANE Select); coding-DNA position 728, G replaced by A.
Protein change: p.Gly243Asp; replaces glycine 243 with aspartic acid.
Molecular consequence: missense variant.
Genome position (GRCh38, 1-based): chr7:74,048,184, G>A. VCF-style: chr7-74048184-G-A. GRCh37 (hg19) VCF-style: chr7-73462514-G-A.
Other names: c.698G>A, p.Gly233Asp (NM_001081752.3, NM_001278917.2); c.743G>A, p.Gly248Asp (NM_001081753.3, NM_001081754.3); c.728G>A, p.Gly243Asp (NM_001081755.3, NM_001278912.2, NM_001278915.2 and 1 more transcripts); c.620G>A, p.Gly207Asp (NM_001278913.2); c.713G>A, p.Gly238Asp (NM_001278914.2); c.686G>A, p.Gly229Asp (NM_001278916.2); c.596G>A, p.Gly199Asp (NM_001278918.2); short protein forms G199D, G229D, G207D, G233D, G238D, G243D, G248D.
Identifiers: ClinVar variation 4759826 (VCV004759826.1).
Genomic context (GRCh38, chr7:74,048,184, plus strand): 5'-AGCCTCTCTGTTTTGCAGGCTATGGGCCCGGAGGAGTGGCTGGTGCAGCGGGCAAGGCTG[G>A]TTACCCAACAGGGACAGGTAAGGAAAGCCTCACGTCACTTCCAGCCAAGGGAGCACTGAT-3'
Protein context (NP_000492.2, residues 233-253): GGVAGAAGKA[Gly243Asp]YPTGTGVGPQ